The following is an entry in ClinVar:

ClinVar aggregate classification (germline): Uncertain significance (1 of 4 stars; one submission).

Allele frequency attached by ClinVar (database versions not stated): ExAC 0.00001; gnomAD exomes below 0.00001.
gnomAD v4.1: 4 of 1,210,204 alleles (0.00033%); highest among the groups gnomAD compares: Non-Finnish European, 0.00045%; no homozygotes.

Submission:

GeneDx
Classification: Uncertain significance. Last evaluated: 2026-08-03. Review status: criteria provided, single submitter. Criteria: GeneDx Variant Classification Process June 2021. Collection method: clinical testing. Allele origin: germline.
Comment: Has not been previously published as pathogenic or benign to our knowledge; Not observed at significant frequency in large population cohorts (gnomAD); In silico analysis suggests that this missense variant does not alter protein structure/function

NM_001110556.2(FLNA):c.3185T>C (p.Val1062Ala)

Gene: FLNA (filamin A; minus strand). Cytogenetic location: Xq28.
Variant type: single nucleotide variant.
Coding change: c.3185T>C on transcript NM_001110556.2 (MANE Select); coding-DNA position 3185, T replaced by C.
Protein change: p.Val1062Ala; replaces valine 1062 with alanine.
Molecular consequence: missense variant.
Genome position (GRCh38, 1-based): chrX:154,361,330, A>G on the plus strand (T>C on the coding strand, the complement: FLNA is on the minus strand). VCF-style: chrX-154361330-A-G. GRCh37 (hg19) VCF-style: chrX-153589698-A-G.
Other names: c.3185T>C, p.Val1062Ala (NM_001456.4); short protein forms V1062A.
Identifiers: ClinVar variation 450722 (VCV000450722.5), dbSNP rs782517296, ClinGen allele CA10560761.